The following is an entry in ClinVar:

NM_001199397.3(NEK1):c.607-3T>C

Gene: NEK1 (NIMA related kinase 1; minus strand). Cytogenetic location: 4q33.
Variant type: single nucleotide variant.
Coding change: c.607-3T>C on transcript NM_001199397.3 (MANE Select); 3 bases into the intron before coding-DNA position 607, T replaced by C.
Molecular consequence: intron variant.
Genome position (GRCh38, 1-based): chr4:169,585,552, A>G on the plus strand (T>C on the coding strand, the complement: NEK1 is on the minus strand). VCF-style: chr4-169585552-A-G. GRCh37 (hg19) VCF-style: chr4-170506703-A-G.
Other names: p.?; c.607-3T>C (NM_001374421.1, NM_001374420.1, NM_001199399.3 and 8 more transcripts).
Identifiers: ClinVar variation 348123 (VCV000348123.20), dbSNP rs55679731, ClinGen allele CA3137985.

ClinVar aggregate classification (germline): Benign. Review status: criteria provided, multiple submitters, no conflicts (2 of 4 stars). 8 submissions from 8 submitters: Benign (7). 1 of the submissions does not count toward it. Last evaluated 2026-02-01.

Conditions:
Short-rib thoracic dysplasia 6 with or without polydactyly (SRTD6). Also called: POLYDACTYLY WITH NEONATAL CHONDRODYSTROPHY, TYPE II; Majewski Syndrome; SHORT RIB-POLYDACTYLY SYNDROME, TYPE IIA; SHORT-RIB THORACIC DYSPLASIA 6 WITH POLYDACTYLY; SHORT-RIB THORACIC DYSPLASIA 6 WITHOUT POLYDACTYLY. Identifiers: MedGen C0024507, MONDO:0009894, OMIM 263520.

Allele frequency attached by ClinVar (database versions not stated): 1000 Genomes Project 30x 0.03389; 1000 Genomes Project 0.03395; gnomAD 0.07079 and 0.07330; TOPMed 0.07124; gnomAD exomes 0.07344 and 0.09797; ESP Exome Variant Server 0.07765; ExAC 0.08159.
gnomAD v4.1: 150,848 of 1,586,266 alleles (9.5%); highest among the groups gnomAD compares: Non-Finnish European, 11%; 8,277 homozygotes.

Submissions (8):

Labcorp Genetics (formerly Invitae), Labcorp
Classification: Benign for Short-rib thoracic dysplasia 6 with or without polydactyly. Last evaluated: 2026-02-01. Review status: criteria provided, single submitter. Criteria: Invitae Variant Classification Sherloc (09022015). Collection method: clinical testing. Allele origin: germline.

Mayo Clinic Laboratories, Mayo Clinic
Classification: Benign. Last evaluated: 2022-03-09. Review status: criteria provided, single submitter. Criteria: ACMG Guidelines, 2015. Collection method: clinical testing. Allele origin: germline. Observed: 8 variant alleles.

Genome-Nilou Lab
Classification: Benign for Short-rib thoracic dysplasia 6 with or without polydactyly. Last evaluated: 2021-09-05. Review status: criteria provided, single submitter. Criteria: ACMG Guidelines, 2015. Collection method: clinical testing. Allele origin: germline. Affected: no.

Illumina Laboratory Services, Illumina
Classification: Benign for Short-rib thoracic dysplasia 6 with or without polydactyly. Last evaluated: 2018-01-12. Review status: criteria provided, single submitter. Criteria: ICSL Variant Classification Criteria 13 December 2019. Collection method: clinical testing. Allele origin: germline.
Comment: This variant was observed in the ICSL laboratory as part of a predisposition screen in an ostensibly healthy population. It had not been previously curated by ICSL or reported in the Human Gene Mutation Database (HGMD: prior to June 1st, 2018), and was therefore a candidate for classification through an automated scoring system. Utilizing variant allele frequency, disease prevalence and penetrance estimates, and inheritance mode, an automated score was calculated to assess if this variant is too frequent to cause the disease. Based on the score and internal cut-off values, a variant classified as benign is not then subjected to further curation. The score for this variant resulted in a classification of benign for this disease.

GeneDx
Classification: Benign. Last evaluated: 2016-06-29. Review status: criteria provided, single submitter. Criteria: GeneDx Variant Classification (06012015). Collection method: clinical testing. Allele origin: germline. Affected: yes.
Comment: This variant is considered likely benign or benign based on one or more of the following criteria: it is a conservative change, it occurs at a poorly conserved position in the protein, it is predicted to be benign by multiple in silico algorithms, and/or has population frequency not consistent with disease.

Clinical Genetics DNA and cytogenetics Diagnostics Lab, Erasmus MC, Erasmus Medical Center
Classification: Benign for Short-rib thoracic dysplasia 6 with or without polydactyly. Last evaluated: 2015-09-21. Review status: criteria provided, single submitter. Criteria: ACGS Guidelines, 2013. Collection method: clinical testing. Allele origin: germline. Affected: yes. Study: VKGL Data-share Consensus.

Breakthrough Genomics
Classification: Benign. Review status: criteria provided, single submitter. Criteria: ACMG Guidelines, 2015. Collection method: not provided. Allele origin: germline. Inheritance: Autosomal recessive inheritance. Affected: yes.

Clinical Genetics, Academic Medical Center
Classification: Benign. Review status: no assertion criteria provided. Collection method: clinical testing. Allele origin: germline. Affected: yes. Study: VKGL Data-share Consensus. Not counted in ClinVar's aggregate classification.